The following is an entry in ClinVar:

ClinVar aggregate classification (germline): Uncertain significance. Review status: criteria provided, multiple submitters, no conflicts (2 of 4 stars). 2 submissions from 2 submitters: Uncertain significance (2). Last evaluated 2025-04-12.

Conditions:
Inborn genetic diseases. Identifiers: MedGen C0950123, MeSH D030342.

Allele frequency attached by ClinVar (database versions not stated): gnomAD exomes below 0.00001; TOPMed below 0.00001; gnomAD 0.00001.
gnomAD v4.1: 2 of 1,613,198 alleles (0.00012%); highest among the groups gnomAD compares: Non-Finnish European, 0.00017%; no homozygotes.

Submissions (2):

Ambry Genetics
Classification: Uncertain significance for Inborn genetic diseases. Last evaluated: 2025-04-12. Review status: criteria provided, single submitter. Criteria: Ambry Variant Classification Scheme 2023. Collection method: clinical testing. Allele origin: germline.

Labcorp Genetics (formerly Invitae), Labcorp
Classification: Uncertain significance. Last evaluated: 2022-04-22. Review status: criteria provided, single submitter. Criteria: Invitae Variant Classification Sherloc (09022015). Collection method: clinical testing. Allele origin: germline.
Comment: In summary, the available evidence is currently insufficient to determine the role of this variant in disease. Therefore, it has been classified as a Variant of Uncertain Significance. Algorithms developed to predict the effect of missense changes on protein structure and function are either unavailable or do not agree on the potential impact of this missense change (SIFT: "Tolerated"; PolyPhen-2: "Probably Damaging"; Align-GVGD: "Class C0"). This variant has not been reported in the literature in individuals affected with TAF2-related conditions. This variant is not present in population databases (gnomAD no frequency). This sequence change replaces histidine, which is basic and polar, with aspartic acid, which is acidic and polar, at codon 267 of the TAF2 protein (p.His267Asp).

NM_003184.4(TAF2):c.799C>G (p.His267Asp)

Gene: TAF2 (TATA-box binding protein associated factor 2; minus strand). Cytogenetic location: 8q24.12.
Variant type: single nucleotide variant.
Coding change: c.799C>G on transcript NM_003184.4 (MANE Select); coding-DNA position 799, C replaced by G.
Protein change: p.His267Asp; replaces histidine 267 with aspartic acid.
Molecular consequence: missense variant.
Genome position (GRCh38, 1-based): chr8:119,797,840, G>C on the plus strand (C>G on the coding strand, the complement: TAF2 is on the minus strand). VCF-style: chr8-119797840-G-C. GRCh37 (hg19) VCF-style: chr8-120810080-G-C.
Other names: c.799C>G (NM_003184.3); short protein forms H267D.
Identifiers: ClinVar variation 1501457 (VCV001501457.9), dbSNP rs1451182352, ClinGen allele CA371890932.
Genomic context (GRCh38, chr8:119,797,840, plus strand): 5'-CTTCATGAAGGTATGATGTGGTATGTTTCAGCAATGGAAGAAGTTGGGGCAAACAAAAAT[G>C]AGTAACCTGAAAAGAAGAAGCAAGGAAGATCATCTAAATGAAAGAGTTAAATTTAATATT-3'
Protein context (NP_003175.2, residues 257-277): LVDPYMHEVT[His267Asp]FCLPQLLPLL